The following is an entry in ClinVar:

ClinVar aggregate classification (germline): Uncertain significance (1 of 4 stars; one submission).

Submission:

Labcorp Genetics (formerly Invitae), Labcorp
Classification: Uncertain significance. Last evaluated: 2023-06-22. Review status: criteria provided, single submitter. Criteria: Invitae Variant Classification Sherloc (09022015). Collection method: clinical testing. Allele origin: germline.
Comment: In summary, the available evidence is currently insufficient to determine the role of this variant in disease. Therefore, it has been classified as a Variant of Uncertain Significance. Advanced modeling of protein sequence and biophysical properties (such as structural, functional, and spatial information, amino acid conservation, physicochemical variation, residue mobility, and thermodynamic stability) performed at Invitae indicates that this missense variant is not expected to disrupt TUBB3 protein function. This variant has not been reported in the literature in individuals affected with TUBB3-related conditions. This variant is not present in population databases (gnomAD no frequency). This sequence change replaces glutamic acid, which is acidic and polar, with aspartic acid, which is acidic and polar, at codon 376 of the TUBB3 protein (p.Glu376Asp).

NM_006086.4(TUBB3):c.1128G>T (p.Glu376Asp)

Gene: TUBB3 (tubulin beta 3 class III; plus strand). Cytogenetic location: 16q24.3.
Variant type: single nucleotide variant.
Coding change: c.1128G>T on transcript NM_006086.4 (MANE Select); coding-DNA position 1128, G replaced by T.
Protein change: p.Glu376Asp; replaces glutamic acid 376 with aspartic acid.
Molecular consequence: missense variant.
Genome position (GRCh38, 1-based): chr16:89,935,579, G>T. VCF-style: chr16-89935579-G-T. GRCh37 (hg19) VCF-style: chr16-90001987-G-T.
Other names: c.912G>T, p.Glu304Asp (NM_001197181.2); short protein forms E304D, E376D.
Identifiers: ClinVar variation 2724486 (VCV002724486.3), dbSNP rs2544628104, ClinGen allele CA397476785.